The following is an entry in ClinVar:

ClinVar aggregate classification (germline): Uncertain significance (1 of 4 stars; one submission).

Conditions:
Developmental and epileptic encephalopathy, 9 (DEE9). Also called: EPILEPSY, FEMALE-RESTRICTED, WITH MENTAL RETARDATION; Early infantile epileptic encephalopathy 9; PCDH19-Related X-Linked Female-Limited Epilepsy with Mental Retardation; JUBERG-HELLMAN SYNDROME. Identifiers: Orphanet 101039, Orphanet 2076, MedGen C1848137, MONDO:0010246, OMIM 300088. Disease mechanism: loss of function.

Submission:

Centre for Mendelian Genomics, University Medical Centre Ljubljana
Classification: Uncertain significance for Developmental and epileptic encephalopathy, 9. Last evaluated: 2019-04-02. Review status: criteria provided, single submitter. Criteria: ACMG Guidelines, 2015. Collection method: clinical testing. Allele origin: unknown. Affected: yes.
Comment: This variant was classified as: Uncertain significance. The available evidence on this variant's pathogenicity is insufficient or conflicting. The following ACMG criteria were applied in classifying this variant: PM2.

NM_001184880.2(PCDH19):c.1069G>C (p.Glu357Gln)

Gene: PCDH19 (protocadherin 19; minus strand). Cytogenetic location: Xq22.1.
Variant type: single nucleotide variant.
Coding change: c.1069G>C on transcript NM_001184880.2 (MANE Select); coding-DNA position 1069, G replaced by C.
Protein change: p.Glu357Gln; replaces glutamic acid 357 with glutamine.
Molecular consequence: missense variant.
Genome position (GRCh38, 1-based): chrX:100,407,529, C>G on the plus strand (G>C on the coding strand, the complement: PCDH19 is on the minus strand). VCF-style: chrX-100407529-C-G. GRCh37 (hg19) VCF-style: chrX-99662527-C-G.
Other names: c.1069G>C, p.Glu357Gln (NM_001105243.2, NM_020766.3); short protein forms E357Q.
Identifiers: ClinVar variation 931241 (VCV000931241.3), dbSNP rs868697675, ClinGen allele CA414004444.
Genomic context (GRCh38, chrX:100,407,529, plus strand): 5'-CGCGATCAGACACCCGCACCAAGGCGATCACGTAGCCCGGGGGGGCGCTCTCGCTGACCT[C>G]CACAAGCTCACTGTTGACTGACAGCAGGTTGATGACCGGCGGATTGTCATTGGTGTCCAG-3'
Protein context (NP_001171809.1, residues 347-367): NLLSVNSELV[Glu357Gln]VSESAPPGYV